The following continues an entry in ClinVar:

NM_005026.5(PIK3CD):c.3061G>A (p.Glu1021Lys)

Gene: PIK3CD. ClinVar aggregate classification (germline): Pathogenic. Pathogenic (1).

Submissions 6 to 18 of 34:

3billion
Classification: Pathogenic for Immunodeficiency 14. Last evaluated: 2025-07-08. Review status: criteria provided, single submitter. Criteria: ACMG Guidelines, 2015. Collection method: clinical testing. Allele origin: germline. Affected: yes. Not counted in ClinVar's aggregate classification.
Comment: The variant is observed at an extremely low frequency in the gnomAD v4.1.0 dataset (total allele frequency: <0.001%). Predicted Consequence/Location: Missense variant Functional studies provide strong evidence of the variant having a damaging effect on the gene or gene product (PMID: 24136356, 24165795). In silico tool predictions suggest damaging effect of the variant on gene or gene product [REVEL: 0.63 (>=0.6, sensitivity 0.68 and specificity 0.92)]. The same nucleotide change resulting in the same amino acid change has been previously reported as pathogenic/likely pathogenic with strong evidence (ClinVar ID: VCV000088675 /PMID: 16984281 /3billion dataset). The variant has been previously reported as assumed (i.e. paternity and maternity not confirmed) de novo in at least two similarly affected unrelated individuals (PMID: 16984281, 24136356 /3billion dataset). The variant has been reported to co-segregate with the disease in at least 5 similarly affected relatives/individuals in the same family or similarly affected unrelated families (PMID: 24136356, 24165795). Therefore, this variant is classified as Pathogenic according to the recommendation of ACMG/AMP guideline.

Next Generation Genetic Polyclinic
Classification: Likely pathogenic for Immunodeficiency 14. Last evaluated: 2025-03-27. Review status: criteria provided, single submitter. Criteria: ACMG Guidelines, 2015. Collection method: curation. Allele origin: germline. Affected: yes. Observed: 1 variant allele. Not counted in ClinVar's aggregate classification.
Comment: Novel missense variant in PIK3CD (c.3061G>A; p.Gly1021Arg), affecting the catalytic domain of a gene known to cause autosomal dominant APDS (Activated PI3K-Delta Syndrome). Variant is absent from gnomAD (PM2). In silico tools predict a damaging effect, and the residue is highly conserved. PIK3CD is intolerant to variation at this site. Meets ACMG criteria: PM1, PM2, PP3 Conclusion: Likely pathogenic based on location in a mutational hotspot and predicted functional impact.

Genomic Medicine Center of Excellence, King Faisal Specialist Hospital and Research Centre
Classification: Pathogenic for Immunodeficiency 14. Last evaluated: 2024-12-19. Review status: criteria provided, single submitter. Criteria: ACMG Guidelines, 2015. Collection method: clinical testing. Allele origin: germline. Not counted in ClinVar's aggregate classification.

Blueprint Genetics
Classification: Pathogenic for PIK3CD-related disorders. Last evaluated: 2024-09-30. Review status: criteria provided, single submitter. Criteria: ACMG Guidelines, 2015. Collection method: clinical testing. Allele origin: de novo. Affected: yes. Observed: 5 variant alleles. Not counted in ClinVar's aggregate classification.

Ambry Genetics
Classification: Pathogenic for Inborn genetic diseases. Last evaluated: 2023-12-21. Review status: criteria provided, single submitter. Criteria: Ambry Variant Classification Scheme 2023. Collection method: clinical testing. Allele origin: germline. Not counted in ClinVar's aggregate classification.
Comment: The c.3061G>A (p.E1021K) alteration is located in exon 24 (coding exon 22) of the PIK3CD gene. This alteration results from a G to A substitution at nucleotide position 3061, causing the glutamic acid (E) at amino acid position 1021 to be replaced by a lysine (K)._x000D_ _x000D_ for autosomal dominant PIK3CD-related immunodeficiency; however, its clinical significance for autosomal recessive PIK3CD-related immunodeficiency is uncertain. This variant was not reported in population-based cohorts in the Genome Aggregation Database (gnomAD). This variant has been reported in multiple individuals and confirmed de novo in multiple individuals with clinical features consistent with autosomal dominant PIK3CD-related immunodeficiency (Angulo, 2013; Lucas, 2014; Crank, 2014; Li, 2019; Lu, 2021; Craig, 2022). This amino acid position is highly conserved in available vertebrate species. Functional studies have been performed that suggest this variant alters protein function (Angulo, 2013; Lucas, 2014). The in silico prediction for this alteration is inconclusive. Based on the available evidence, this alteration is classified as pathogenic.

ARUP Laboratories, Molecular Genetics and Genomics, ARUP Laboratories
Classification: Pathogenic. Last evaluated: 2023-10-30. Review status: criteria provided, single submitter. Criteria: ARUP Molecular Germline Variant Investigation Process 2024. Collection method: clinical testing. Allele origin: germline. Not counted in ClinVar's aggregate classification.
Comment: The PIK3CD c.3061G>A, p.Glu1021Lys variant (rs397518423) has been reported in multiple individuals with hypogammaglobulinemia (Jou 2006) or hyper-IgM syndrome (Angulo 2013, Crank 2014). This variant is reported as pathogenic in ClinVar (Variation ID: 88675) and is absent from the Genome Aggregation Database, indicating it is not a common polymorphism. Computational analyses are uncertain whether this variant is neutral or deleterious (REVEL: 0.627). However, in vitro and in vivo functional assays demonstrate the variant to be a gain of function, with enhanced membrane association, PIP3 production and PI3K pathway activation (Angulo 2013, Lucas 2014). Based on available information, this variant is considered to be pathogenic. References: Angulo I et al.: Phosphoinositide 3-kinase delta gene mutation predisposes to respiratory infection and airway damage. Science 2013; 342(6160):866-871. PMID: 24136356. Crank M et al.: Mutations in PIK3CD can cause hyper IgM syndrome (HIGM) associated with increased cancer susceptibility. J Clin Immunol. 2014; 34(3):272-276. PMID: 24610295. Jou S et al.: Identification of variations in the human phosphoinositide 3-kinase p110delta gene in children with primary B-cell immunodeficiency of unknown aetiology. Int J Immunogenet. 2006; 33(5):361-369. PMID: 16984281. Lucas C et al.: Dominant-activating germline mutations in the gene encoding the PI(3)K catalytic subunit p110delta result in T cell senescence and human immunodeficiency. Nat Immunol. 2014; 15(1):88-97. PMID: 24165795.

Laboratorio de Genetica e Diagnostico Molecular, Hospital Israelita Albert Einstein
Classification: Pathogenic for Immunodeficiency 14. Last evaluated: 2022-11-11. Review status: criteria provided, single submitter. Criteria: ACMG Guidelines, 2015. Collection method: clinical testing. Allele origin: germline. Affected: yes. Observed: 1 variant allele. Not counted in ClinVar's aggregate classification.
Comment: ACMG classification criteria: PS3 supporting, PS4 strong, PM2 moderated, PM6 strong, PP2 supporting

Department of Human Genetics, Hannover Medical School
Classification: Pathogenic for Immunodeficiency 14. Last evaluated: 2022-03-30. Review status: criteria provided, single submitter. Criteria: ACMG Guidelines, 2015. Collection method: clinical testing. Allele origin: germline. Inheritance: Autosomal dominant inheritance. Affected: yes. Not counted in ClinVar's aggregate classification.

GeneDx
Classification: Pathogenic. Last evaluated: 2022-01-22. Review status: criteria provided, single submitter. Criteria: GeneDx Variant Classification Process June 2021. Collection method: clinical testing. Allele origin: germline. Affected: yes. Not counted in ClinVar's aggregate classification.
Comment: Published functional studies demonstrate this variant enhances membrane association and kinase activity of the PIK3CD protein, consistent with a gain-of-function effect (Angulo et al., 2013; Avery et al., 2018).; In silico analysis supports that this missense variant has a deleterious effect on protein structure/function; This variant is associated with the following publications: (PMID: 24698326, 25352054, 26437962, 31760094, 27555459, 31033788, 31045771, 24610295, 24165795, 16984281, 26732860, 24136356, 27980538, 27596086, 28167755, 28601916, 29200144, 28469999, 29077208, 28072954, 27426521, 28104464, 30018075, 28842185, 29107464, 30499059, 30738173, 32265996, 31953711, 30919572, 32499645, 32581362, 33995405, 34060650, 33080915, 32349894, 33225392, 33144682, 32758532, 32888943, 32901917, 28252636, 34134972, 32531373, 33942430, 33726816)

Provincial Medical Genetics Program of British Columbia, University of British Columbia
Classification: Pathogenic for Immunodeficiency 14. Last evaluated: 2022-01-01. Review status: criteria provided, single submitter. Criteria: ACMG Guidelines, 2015. Collection method: clinical testing. Allele origin: de novo. Affected: yes. Not counted in ClinVar's aggregate classification.

Beijing Key Laboratry for Genetics of Birth Defects, Beijing Children's Hospital
Classification: Pathogenic for Immunodeficiency 14. Last evaluated: 2020-12-20. Review status: criteria provided, single submitter. Criteria: ACMG Guidelines, 2015. Collection method: clinical testing. Allele origin: de novo. Affected: yes. Observed: 2 variant alleles. Not counted in ClinVar's aggregate classification.

Institute of Medical Genetics and Applied Genomics, University Hospital Tübingen
Classification: Pathogenic. Last evaluated: 2020-10-23. Review status: criteria provided, single submitter. Criteria: ACMG Guidelines, 2015. Collection method: clinical testing. Allele origin: germline. Inheritance: Autosomal dominant inheritance. Affected: yes. Not counted in ClinVar's aggregate classification.

Center for Genomics, Ann and Robert H. Lurie Children's Hospital of Chicago
Classification: Pathogenic for Immunodeficiency 14. Last evaluated: 2020-05-20. Review status: criteria provided, single submitter. Criteria: ACMG Guidelines, 2015. Collection method: clinical testing. Allele origin: germline. Not counted in ClinVar's aggregate classification.
Comment: PIK3CD NM_005026.4 exon 24 p.Glu1021Lys (c.3061G>A): This variant has been well reported in the literature and has been identified in several individuals with Activated Phosphoinositide 3-Kinase Delta Syndrome (APDS), at least two of whom were reported as de novo. This variant has also been reported to segregate with disease in numerous affected family members (Selected publications: Jou 2006 PMID:16984281, Angulo 2013 PMID:24136356, Crank 2014 PMID:24610295, Lucas 2014 PMID:24165795, Hartman 2015 PMID:25352054, Elgizouli 2016 PMID:26437962, Cansever 2020 PMID:31033788). This variant is not present in large control databases. This variant is present in ClinVar, with several labs classifying this variant as pathogenic (Variation ID:88675). Evolutionary conservation and computational predictive tools support that this variant may impact the protein. In vitro functional studies also predict that this variant will impact the protein affecting binding and resulting in a gain of function effect (Angulo 2013 PMID:24136356, Lucas 2014 PMID:24165795). In summary, this variant is classified as pathogenic.